The following is an entry in ClinVar:

NM_002485.5(NBN):c.2102A>T (p.His701Leu)

Gene: NBN (nibrin; minus strand). Cytogenetic location: 8q21.3.
Variant type: single nucleotide variant.
Coding change: c.2102A>T on transcript NM_002485.5 (MANE Select); coding-DNA position 2102, A replaced by T.
Protein change: p.His701Leu; replaces histidine 701 with leucine.
Molecular consequence: missense variant.
Genome position (GRCh38, 1-based): chr8:89,943,335, T>A on the plus strand (A>T on the coding strand, the complement: NBN is on the minus strand). VCF-style: chr8-89943335-T-A. GRCh37 (hg19) VCF-style: chr8-90955563-T-A.
Other names: c.1856A>T, p.His619Leu (NM_001024688.3, NM_001440379.1, NM_001440380.1); short protein forms H701L, H619L.
Identifiers: ClinVar variation 4117280 (VCV004117280.1).
Genomic context (GRCh38, chr8:89,943,335, plus strand): 5'-TCTTCTAGTTCTGTATTCTTTCGAGCATGATGAGCTATTAGATCTGATCCTCCAATGATG[T>A]GTGGAAGTTTTCCTGCTCCAGGATATGTGACCTATTGAATAATAAAAGTAGTACAGTAAA-3'
Protein context (NP_002476.2, residues 691-711): VTYPGAGKLP[His701Leu]IIGGSDLIAH

ClinVar aggregate classification (germline): Uncertain significance (1 of 4 stars; one submission).

Conditions:
Hereditary cancer-predisposing syndrome. Also called: Hereditary neoplastic syndrome; Neoplastic Syndromes, Hereditary; Tumor predisposition; Hereditary Cancer Syndrome. Identifiers: Orphanet 140162, MedGen C0027672, MeSH D009386, MONDO:0015356.

Submission:

Ambry Genetics
Classification: Uncertain significance for Hereditary cancer-predisposing syndrome. Last evaluated: 2025-09-01. Review status: criteria provided, single submitter. Criteria: Ambry Variant Classification Scheme 2023. Collection method: clinical testing. Allele origin: germline.
Comment: The p.H701L variant (also known as c.2102A>T), located in coding exon 14 of the NBN gene, results from an A to T substitution at nucleotide position 2102. The histidine at codon 701 is replaced by leucine, an amino acid with similar properties. This amino acid position is conserved. In addition, this alteration is predicted to be tolerated by in silico analysis. Based on the available evidence, the clinical significance of this variant remains unclear.